The following is an entry in ClinVar:

NM_002439.5(MSH3):c.1586C>G (p.Ser529Ter)

Gene: MSH3 (mutS homolog 3; plus strand). Cytogenetic location: 5q14.1.
Variant type: single nucleotide variant.
Coding change: c.1586C>G on transcript NM_002439.5 (MANE Select); coding-DNA position 1586, C replaced by G.
Protein change: p.Ser529Ter; replaces serine 529 with a stop codon.
Molecular consequence: nonsense.
Genome position (GRCh38, 1-based): chr5:80,741,481, C>G. VCF-style: chr5-80741481-C-G. GRCh37 (hg19) VCF-style: chr5-80037300-C-G.
Other names: short protein forms S529*.
Identifiers: ClinVar variation 665225 (VCV000665225.13), dbSNP rs758191157, ClinGen allele CA3327977.

ClinVar aggregate classification (germline): Pathogenic/Likely pathogenic. Review status: criteria provided, multiple submitters, no conflicts (2 of 4 stars). 4 submissions from 4 submitters: Pathogenic (3); Likely pathogenic (1). Last evaluated 2026-01-27.

Conditions:
Hereditary cancer-predisposing syndrome. Also called: Tumor predisposition; Hereditary neoplastic syndrome; Neoplastic Syndromes, Hereditary; Hereditary Cancer Syndrome. Identifiers: Orphanet 140162, MedGen C0027672, MeSH D009386, MONDO:0015356.
Endometrial carcinoma. Also called: Endometrial carcinoma, somatic. Identifiers: MedGen C0476089, MONDO:0002447, OMIM 608089, HP:0012114.
Familial adenomatous polyposis 4 (FAP4). Also called: MSH3-related attenuated familial adenomatous polyposis. Identifiers: Orphanet 480536, MedGen C4310719, MONDO:0044300, OMIM 617100.

Allele frequency attached by ClinVar (database versions not stated): ExAC 0.00001; gnomAD exomes 0.00001 and 0.00004; TOPMed 0.00002.
gnomAD v4.1: 33 of 1,593,790 alleles (0.0021%); highest among the groups gnomAD compares: Non-Finnish European, 0.0027%; no homozygotes.

Submissions (4):

Labcorp Genetics (formerly Invitae), Labcorp
Classification: Pathogenic. Last evaluated: 2026-01-27. Review status: criteria provided, single submitter. Criteria: Invitae Variant Classification Sherloc (09022015). Collection method: clinical testing. Allele origin: germline.
Comment: This sequence change creates a premature translational stop signal (p.Ser529*) in the MSH3 gene. It is expected to result in an absent or disrupted protein product. Loss-of-function variants in MSH3 are known to be pathogenic (PMID: 27476653, 37402566). This variant is present in population databases (rs758191157, gnomAD 0.002%). This variant has not been reported in the literature in individuals affected with MSH3-related conditions. ClinVar contains an entry for this variant (Variation ID: 665225). For these reasons, this variant has been classified as Pathogenic.

Baylor Genetics
Classification: Likely pathogenic for Endometrial carcinoma. Last evaluated: 2023-09-20. Review status: criteria provided, single submitter. Criteria: ACMG Guidelines, 2015. Collection method: clinical testing. Allele origin: unknown.

Myriad Genetics, Inc.
Classification: Pathogenic for Familial adenomatous polyposis 4. Last evaluated: 2023-08-30. Review status: criteria provided, single submitter. Criteria: Myriad Autosomal Dominant, Autosomal Recessive and X-Linked Classification Criteria (2023). Collection method: clinical testing. Allele origin: unknown.
Comment: This variant is considered pathogenic. This variant creates a termination codon and is predicted to result in premature protein truncation.

Ambry Genetics
Classification: Pathogenic for Hereditary cancer-predisposing syndrome. Last evaluated: 2023-01-03. Review status: criteria provided, single submitter. Criteria: Ambry Variant Classification Scheme 2023. Collection method: clinical testing. Allele origin: germline.
Comment: The p.S529* pathogenic mutation (also known as c.1586C>G), located in coding exon 11 of the MSH3 gene, results from a C to G substitution at nucleotide position 1586. This changes the amino acid from a serine to a stop codon within coding exon 11. This variant is considered to be rare based on population cohorts in the Genome Aggregation Database (gnomAD). This alteration is expected to result in loss of function by premature protein truncation or nonsense-mediated mRNA decay. As such, this alteration is interpreted as a disease-causing mutation.

Literature cited by the submitters: PubMed 27476653 (cited by Labcorp Genetics (formerly Invitae), Labcorp); PubMed 37402566 (cited by Labcorp Genetics (formerly Invitae), Labcorp).